The following is an entry in ClinVar:

NM_022455.5(NSD1):c.1478C>T (p.Pro493Leu)

Gene: NSD1 (nuclear receptor binding SET domain protein 1; plus strand). Cytogenetic location: 5q35.3.
Variant type: single nucleotide variant.
Coding change: c.1478C>T on transcript NM_022455.5 (MANE Select); coding-DNA position 1478, C replaced by T.
Protein change: p.Pro493Leu; replaces proline 493 with leucine.
Molecular consequence: missense variant.
Genome position (GRCh38, 1-based): chr5:177,209,877, C>T. VCF-style: chr5-177209877-C-T. GRCh37 (hg19) VCF-style: chr5-176636878-C-T.
Other names: c.605C>T, p.Pro202Leu (NM_001365684.2, NM_001409306.1, NM_001409307.1 and 3 more transcripts); c.1478C>T, p.Pro493Leu (NM_001409301.1, NM_001409302.1, NM_001409303.1); c.1058C>T, p.Pro353Leu (NM_001409304.1); c.725C>T, p.Pro242Leu (NM_001409305.1); short protein forms P493L, P224L, P242L, P353L, P202L.
Identifiers: ClinVar variation 524708 (VCV000524708.33), dbSNP rs140583358, ClinGen allele CA3577099.

ClinVar aggregate classification (germline): Conflicting classifications of pathogenicity. Review status: criteria provided, conflicting classifications (1 of 4 stars). 6 submissions from 6 submitters: Uncertain significance (2); Benign (1); Likely benign (3). Last evaluated 2024-07-01.

Conditions:
Sotos syndrome (SOTOS). Also called: CEREBRAL GIGANTISM; SOTOS SYNDROME 1; Sotos' syndrome; Distinctive facial appearance, overgrowth in childhood, and learning disabilities or delayed development; CHROMOSOME 5q35 DELETION SYNDROME. Identifiers: Orphanet 821, MedGen C0175695, MONDO:0019349, OMIM 117550.
Inborn genetic diseases. Identifiers: MedGen C0950123, MeSH D030342.
Acute myeloid leukemia (AML). Also called: Acute myeloid leukemia, adult; AML adult; Acute non-lymphocytic leukemia; Acute granulocytic leukemia; Leukemia, acute myeloid, somatic; Leukemia, acute myelogenous, somatic. Identifiers: Orphanet 519, MedGen C0023467, MeSH D015470, MONDO:0018874, OMIM 601626, HP:0004808. Disease mechanism: Constitutively activated FLT3.

Allele frequency attached by ClinVar (database versions not stated): ExAC 0.00006; gnomAD exomes 0.00008 and 0.00020; gnomAD 0.00011 and 0.00012; TOPMed 0.00011; ESP Exome Variant Server 0.00015.
gnomAD v4.1: 337 of 1,614,000 alleles (0.021%); highest among the groups gnomAD compares: Non-Finnish European, 0.025%; no homozygotes.

Submissions (6):

CeGaT Center for Human Genetics Tuebingen
Classification: Likely benign. Last evaluated: 2024-07-01. Review status: criteria provided, single submitter. Criteria: CeGaT Center For Human Genetics Tuebingen Variant Classification Criteria Version 2. Collection method: clinical testing. Allele origin: germline. Affected: yes. Observed: 2 variant alleles.
Comment: NSD1: BS2

Labcorp Genetics (formerly Invitae), Labcorp
Classification: Likely benign. Last evaluated: 2024-07-01. Review status: criteria provided, single submitter. Criteria: Invitae Variant Classification Sherloc (09022015). Collection method: clinical testing. Allele origin: germline.

Genome-Nilou Lab
Classification: Uncertain significance for Sotos syndrome. Last evaluated: 2021-07-15. Review status: criteria provided, single submitter. Criteria: ACMG Guidelines, 2015. Collection method: clinical testing. Allele origin: germline. Affected: no.

GeneDx
Classification: Likely benign. Last evaluated: 2021-03-01. Review status: criteria provided, single submitter. Criteria: GeneDx Variant Classification Process June 2021. Collection method: clinical testing. Allele origin: germline. Affected: yes.
Comment: See Variant Classification Assertion Criteria.

Ambry Genetics
Classification: Benign for Inborn genetic diseases. Last evaluated: 2019-03-07. Review status: criteria provided, single submitter. Criteria: Ambry Variant Classification Scheme 2023. Collection method: clinical testing. Allele origin: germline.

Fulgent Genetics
Classification: Uncertain significance for Sotos syndrome; Acute myeloid leukemia. Last evaluated: 2018-10-31. Review status: criteria provided, single submitter. Criteria: ACMG Guidelines, 2015. Collection method: clinical testing. Allele origin: unknown.